The following is an entry in ClinVar:

ClinVar aggregate classification (germline): Uncertain significance; other. Review status: criteria provided, multiple submitters, no conflicts (2 of 4 stars). 3 submissions from 3 submitters: Uncertain significance (1). 1 of the submissions does not count toward it. Last evaluated 2025-03-04.

Conditions:
GSTZ1-related disorder. Also called: GSTZ1-related condition.
Maleylacetoacetate isomerase deficiency. Also called: MAAI DEFICIENCY; HYPERSUCCINYLACETONEMIA, MILD; BENIGN HYPERSUCCINYLACETONEMIA. Identifiers: MedGen C1291607, MONDO:0060527, OMIM 617596.

Allele frequency attached by ClinVar (database versions not stated): ExAC 0.00002; gnomAD 0.00002; TOPMed 0.00004.

Submissions (3):

PreventionGenetics, part of Exact Sciences
Classification: Uncertain significance for GSTZ1-related condition. Last evaluated: 2025-03-04. Review status: criteria provided, single submitter. Criteria: ACMG Guidelines, 2015. Collection method: clinical testing. Allele origin: germline.
Comment: The GSTZ1 c.259C>T variant is predicted to result in premature protein termination (p.Arg87*). This variant has been reported in the compound heterozygous state with a GSTZ1 intronic variant of uncertain significance in a patient with elevated succinylacetone in the plasma but without clinical features of tyrosinemia type I (Yang et al. 2016. PubMed ID: 27876694). This variant is reported in 0.0044% of alleles in individuals of European (Non-Finnish) descent in gnomAD. Few loss-of-function variants in GSTZ1 have been reported in the literature. Therefore, although we suspect this variant may be pathogenic, at this time its clinical significance is uncertain due to the absence of conclusive functional and genetic evidence.

Eurofins Ntd Llc (ga)
Classification: other. Last evaluated: 2018-04-10. Review status: criteria provided, single submitter. Criteria: EGL ClinVar v180209 classification definitions. Collection method: clinical testing. Allele origin: germline. Observed: 1 variant allele, 1 heterozygote.

OMIM
Classification: Affects for MALEYLACETOACETATE ISOMERASE DEFICIENCY. Last evaluated: 2025-03-05. Review status: no assertion criteria provided. Collection method: literature only. Allele origin: germline. Not counted in ClinVar's aggregate classification.

Literature cited by the submitters: PubMed 27876694 (cited by OMIM).

NM_145870.3(GSTZ1):c.259C>T (p.Arg87Ter)

Gene: GSTZ1 (glutathione S-transferase zeta 1; plus strand). Cytogenetic location: 14q24.3.
Variant type: single nucleotide variant.
Coding change: c.259C>T on transcript NM_145870.3 (MANE Select); coding-DNA position 259, C replaced by T.
Protein change: p.Arg87Ter; replaces arginine 87 with a stop codon.
Molecular consequence: nonsense. On other transcripts: intron variant (1).
Genome position (GRCh38, 1-based): chr14:77,327,954, C>T. VCF-style: chr14-77327954-C-T. GRCh37 (hg19) VCF-style: chr14-77794297-C-T.
Other names: c.94C>T, p.Arg32Ter (NM_001312660.2); c.262C>T, p.Arg88Ter (NM_001363703.2); c.216+402C>T (NM_145871.3); short protein forms R87*, R32*, R88*.
Identifiers: ClinVar variation 431042 (VCV000431042.7), dbSNP rs747265163, ClinGen allele CA7286511.